The following is an entry in ClinVar:

ClinVar aggregate classification (germline): Uncertain significance (1 of 4 stars; one submission).

Conditions:
Intellectual developmental disorder, autosomal dominant 1. Also called: Intellectual disability, autosomal dominant 1; MBD5 Haploinsufficiency. Identifiers: Orphanet 228402, MedGen C1969562, MONDO:0007974, OMIM 156200.

Submission:

Labcorp Genetics (formerly Invitae), Labcorp
Classification: Uncertain significance for Intellectual developmental disorder, autosomal dominant 1. Last evaluated: 2023-12-30. Review status: criteria provided, single submitter. Criteria: Invitae Variant Classification Sherloc (09022015). Collection method: clinical testing. Allele origin: germline.
Comment: This variant, c.574_576del, results in the deletion of 1 amino acid(s) of the MBD5 protein (p.Gln192del), but otherwise preserves the integrity of the reading frame. This variant is not present in population databases (gnomAD no frequency). This variant has not been reported in the literature in individuals affected with MBD5-related conditions. In summary, the available evidence is currently insufficient to determine the role of this variant in disease. Therefore, it has been classified as a Variant of Uncertain Significance.

NM_001378120.1(MBD5):c.568CAA[2] (p.Gln192del)

Gene: MBD5 (methyl-CpG binding domain protein 5; plus strand). Cytogenetic location: 2q23.1.
Variant type: Microsatellite.
Coding change: c.568CAA[2] on transcript NM_001378120.1 (MANE Select); two copies in a row of the 3-base unit CAA starting at c.568; the reference has three copies in a row; one copy, 3 bases deleted.
Protein change: p.Gln192del; deletes glutamine 192.
Molecular consequence: inframe deletion.
Genome position (GRCh38, 1-based): chr2:148,468,517-148,468,519, CAA deleted; deleting any 3 consecutive bases within chr2:148,468,511-148,468,519 gives the same sequence; the position shown is the placement nearest the transcript's 3' end. VCF-style (leftmost placement, unchanged base first): chr2-148468510-CCAA-C. GRCh37 (hg19) VCF-style: chr2-149226079-CCAA-C.
Other names: c.568CAA[2], p.Gln192del (NM_018328.5); short protein forms Q192del.
Identifiers: ClinVar variation 2706582 (VCV002706582.3), dbSNP rs2469855349, ClinGen allele CA2661395669.